The following is an entry in ClinVar:

NM_006587.4(CORIN):c.304A>G (p.Ile102Val)

Gene: CORIN (corin, serine peptidase; minus strand). Cytogenetic location: 4p12.
Variant type: single nucleotide variant.
Coding change: c.304A>G on transcript NM_006587.4 (MANE Select); coding-DNA position 304, A replaced by G.
Protein change: p.Ile102Val; replaces isoleucine 102 with valine.
Molecular consequence: missense variant. On other transcripts: intron variant (1).
Genome position (GRCh38, 1-based): chr4:47,786,830, T>C on the plus strand (A>G on the coding strand, the complement: CORIN is on the minus strand). VCF-style: chr4-47786830-T-C. GRCh37 (hg19) VCF-style: chr4-47788847-T-C.
Other names: c.304A>G, p.Ile102Val (NM_001278586.2); c.208+20073A>G (NM_001278585.2); c.304A>G (NM_006587.2); short protein forms I102V.
Identifiers: ClinVar variation 2654748 (VCV002654748.24), dbSNP rs760156733, ClinGen allele CA2910074.

ClinVar aggregate classification (germline): Likely benign. Review status: criteria provided, multiple submitters, no conflicts (2 of 4 stars). 2 submissions from 2 submitters: Likely benign (2). Last evaluated 2025-12-04.

Conditions:
Inborn genetic diseases. Identifiers: MedGen C0950123, MeSH D030342.

Allele frequency attached by ClinVar (database versions not stated): gnomAD 0.00001; gnomAD exomes 0.00001; ExAC 0.00004.
gnomAD v4.1: 19 of 1,613,914 alleles (0.0012%); highest among the groups gnomAD compares: South Asian, 0.012%; no homozygotes.

Submissions (2):

Ambry Genetics
Classification: Likely benign for Inborn genetic diseases. Last evaluated: 2025-12-04. Review status: criteria provided, single submitter. Criteria: Ambry Variant Classification Scheme 2023. Collection method: clinical testing. Allele origin: germline.

CeGaT Center for Human Genetics Tuebingen
Classification: Likely benign. Last evaluated: 2022-11-01. Review status: criteria provided, single submitter. Criteria: CeGaT Center For Human Genetics Tuebingen Variant Classification Criteria Version 2. Collection method: clinical testing. Allele origin: germline. Affected: yes. Observed: 1 variant allele.
Comment: CORIN: BP4